The following is an entry in ClinVar:

ClinVar aggregate classification (germline): Conflicting classifications of pathogenicity. Review status: criteria provided, conflicting classifications (1 of 4 stars). 14 submissions from 14 submitters: Uncertain significance (1); Benign (3); Likely benign (6). 4 of the submissions do not count toward it. Last evaluated 2026-02-25.

Conditions:
BRCA2-related disorder. Also called: BRCA2-related condition; BRCA2-related disorders. Identifiers: MedGen CN239275.
Hereditary cancer-predisposing syndrome. Also called: Hereditary neoplastic syndrome; Tumor predisposition; Hereditary Cancer Syndrome; Neoplastic Syndromes, Hereditary. Identifiers: Orphanet 140162, MedGen C0027672, MeSH D009386, MONDO:0015356.
Hereditary breast ovarian cancer syndrome. Also called: Breast and ovarian cancer; Hereditary breast and/or ovarian cancer syndrome; BRCA1- and BRCA2-Associated Hereditary Breast and Ovarian Cancer; Hereditary breast and ovarian cancer syndrome; Hereditary breast and ovarian cancer; Hereditary breast and ovarian cancer syndrome (HBOC). Identifiers: Orphanet 145, MedGen C0677776, MeSH D061325, MONDO:0003582. Disease mechanism: loss of function.
Breast-ovarian cancer, familial, susceptibility to, 2 (BROVCA2). Also called: BRCA2 Hereditary Breast and Ovarian Cancer. Identifiers: Orphanet 145, MedGen C2675520, MONDO:0012933, OMIM 612555. Disease mechanism: loss of function.
Familial cancer of breast. Also called: BREAST CANCER, FAMILIAL; Hereditary breast cancer; hereditary breast carcinoma. Identifiers: Orphanet 227535, MedGen C0346153, MONDO:0016419, OMIM 114480. Disease mechanism: loss of function.
Malignant tumor of breast. Also called: Cancer breast; Malignant breast neoplasm. Identifiers: MedGen C0006142, MONDO:0007254. Disease mechanism: loss of function.

Allele frequency attached by ClinVar (database versions not stated): gnomAD 0.00001 and 0.00003; ExAC 0.00005; TOPMed 0.00006; gnomAD exomes 0.00009; 1000 Genomes Project 30x 0.00016; 1000 Genomes Project 0.00020.
gnomAD v4.1: 29 of 1,612,682 alleles (0.0018%); highest among the groups gnomAD compares: Admixed American, 0.043%; no homozygotes.

Submissions (14):

PreventionGenetics, part of Exact Sciences
Classification: Likely benign for BRCA2-related condition. Last evaluated: 2026-02-25. Review status: criteria provided, single submitter. Criteria: ACMG Guidelines, 2015. Collection method: clinical testing. Allele origin: germline.
Comment: This variant is classified as likely benign based on ACMG/AMP sequence variant interpretation guidelines (Richards et al. 2015 PMID: 25741868, with internal and published modifications).

Labcorp Genetics (formerly Invitae), Labcorp
Classification: Likely benign for Hereditary breast ovarian cancer syndrome. Last evaluated: 2026-02-03. Review status: criteria provided, single submitter. Criteria: Invitae Variant Classification Sherloc (09022015). Collection method: clinical testing. Allele origin: germline.

Mayo Clinic Laboratories, Mayo Clinic
Classification: Benign. Last evaluated: 2025-04-08. Review status: criteria provided, single submitter. Criteria: ACMG Guidelines, 2015. Collection method: clinical testing. Allele origin: germline. Observed: 1 variant allele.
Comment: BS1, BP7_strong

GeneDx
Classification: Uncertain significance. Last evaluated: 2023-09-27. Review status: criteria provided, single submitter. Criteria: GeneDx Variant Classification Process June 2021. Collection method: clinical testing. Allele origin: germline. Affected: yes.
Comment: Observed in individuals with breast, ovarian or colorectal cancer and also in unaffected controls (Lee et al., 2008; Dong et al., 2018; Momozawa et al., 2018; Zhang et al., 2022); In silico analysis supports that this missense variant does not alter protein structure/function; Also known as 3174A>G; This variant is associated with the following publications: (PMID: 23929434, 34917121, 32467295, 33309985, 30039884, 30287823, 18284688, 32566972, 31396961, 26295337, 32114502, 36243179, 35918668)

Mendelics
Classification: Benign for Breast-ovarian cancer, familial, susceptibility to, 2. Last evaluated: 2023-08-22. Review status: criteria provided, single submitter. Criteria: Mendelics Assertion Criteria 2019. Collection method: clinical testing. Allele origin: germline.

University of Washington Department of Laboratory Medicine, University of Washington
Classification: Likely benign for Hereditary cancer-predisposing syndrome. Last evaluated: 2023-03-23. Review status: criteria provided, single submitter. Criteria: Dines et al. (Genet Med. 2020). Collection method: curation. Allele origin: germline.
Comment: Missense variant in a coldspot region where missense variants are very unlikely to be pathogenic (PMID:31911673).

BRCA2 exon 11 coldspot. Reclassification based on statistical prior probability.

Women's Health and Genetics/Laboratory Corporation of America, LabCorp
Classification: Benign. Last evaluated: 2021-02-19. Review status: criteria provided, single submitter. Criteria: LabCorp Variant Classification Summary - May 2015. Collection method: clinical testing. Allele origin: germline.
Comment: Variant summary: BRCA2 c.2946A>G (p.Ile982Met) results in a conservative amino acid change in the encoded protein sequence. Five of five in-silico tools predict a benign effect of the variant on protein function. The variant allele was found at a frequency of 8.8e-05 in 248848 control chromosomes, predominantly at a frequency of 0.00058 within the Latino subpopulation in the gnomAD database. This frequency is not significantly higher than expected for a pathogenic variant in BRCA2 causing Hereditary Breast And Ovarian Cancer Syndrome (8.8e-05 vs 0.00075), allowing no conclusion about variant significance. c.2946A>G has been reported in the literature in case and control cohorts in studies of individuals with breast, colorectal and esophageal squamous cell cancer with no significant reported association (example, Lee_2008, Dong_2018, Fujita_2020, Ko_2020, Momozawa_2018). These report(s) do not provide unequivocal conclusions about association of the variant with Hereditary Breast And Ovarian Cancer Syndrome. At-least one co-occurrence with another pathogenic variant have been reported (Dong_2018, BRCA1 c.141C>A, p.Cys47*), providing supporting evidence for a benign role. To our knowledge, no experimental evidence demonstrating an impact on protein function has been reported. Six clinical diagnostic laboratories have submitted clinical-significance assessments for this variant to ClinVar after 2014 without evidence for independent evaluation. Multiple laboratories reported the variant with conflicting assessments (likely benign, n=3; VUS, n=3). Some submitters cite overlapping evidence utilized in the context of this evaluation. Based on the absence of evidence supporting an actionable outcome in literature spanning over 12 years of evolution, no reported association with breast and colorectal cancer (Momozawa_2018, Fujita_2020), and the emerging consensus supporting a likely benign outcome among peers as outlined above, the variant was classified as benign.

Quest Diagnostics Nichols Institute San Juan Capistrano
Classification: Likely benign. Last evaluated: 2021-01-22. Review status: criteria provided, single submitter. Criteria: Quest Diagnostics criteria. Collection method: clinical testing. Allele origin: unknown.

Ambry Genetics
Classification: Likely benign for Hereditary cancer-predisposing syndrome. Last evaluated: 2020-01-22. Review status: criteria provided, single submitter. Criteria: Ambry Variant Classification Scheme 2023. Collection method: clinical testing. Allele origin: germline.

Color Diagnostics, LLC DBA Color Health
Classification: Likely benign for Hereditary cancer-predisposing syndrome. Last evaluated: 2016-01-22. Review status: criteria provided, single submitter. Criteria: ACMG Guidelines, 2015. Collection method: clinical testing. Allele origin: germline.

Sharing Clinical Reports Project (SCRP)
Classification: Likely benign for Breast-ovarian cancer, familial 2. Last evaluated: 2014-02-19. Review status: no assertion criteria provided. Collection method: clinical testing. Allele origin: germline. Not counted in ClinVar's aggregate classification.

Breast Cancer Information Core (BIC) (BRCA2)
Classification: Uncertain significance for Breast-ovarian cancer, familial 2. Last evaluated: 2002-06-20. Review status: no assertion criteria provided. Collection method: clinical testing. Allele origin: germline. Affected: yes. Observed: 2 variant alleles. Not counted in ClinVar's aggregate classification.

Center for Precision Medicine, Meizhou People's Hospital
Classification: Uncertain significance for Familial cancer of breast. Review status: no assertion criteria provided. Collection method: literature only. Allele origin: germline. Affected: yes. Not counted in ClinVar's aggregate classification.

Department of Pathology and Laboratory Medicine, Sinai Health System
Classification: Uncertain significance for Malignant tumor of breast. Review status: no assertion criteria provided. Collection method: clinical testing. Allele origin: unknown. Affected: yes. Study: The Canadian Open Genetics Repository (COGR). Not counted in ClinVar's aggregate classification.
Comment: The BRCA2 p.Ile982Met variant was identified in 1 of 17,146 proband chromosomes (frequency: 0.00006) from individuals or families with breast cancer and was present in 5 of 47,462 control chromosomes (frequency: 0.0001) from healthy individuals (Momozawa 2018, Lee 2008). The variant was identified in dbSNP (rs80358541) as â€šÃ„Ãºwith likely benign, other alleleâ€šÃ„Ã¹, ClinVar (interpreted as "uncertain significance" by Ambry Genetics and 4 others and "likely benign" by Invitae and 2 others) and LOVD 3.0 (observed 2x). The variant was not identified in UMD-LSDB. The variant was identified in control databases in 21 of 244,312 chromosomes at a frequency of 0.00009 (Genome Aggregation Database Feb 27, 2017). The variant was observed in the following populations: Latino in 20 of 33,344 chromosomes (freq: 0.0006), East Asian in 1 of 17,176 chromosomes (freq: 0.00006), but not in the African, Other, European, Ashkenazi Jewish, Finnish, and South Asian populations. The p.Ile982 residue is not conserved in mammals and computational analyses (PolyPhen-2, SIFT, AlignGVGD, BLOSUM, MutationTaster) do not suggest a high likelihood of impact to the protein; however, this information is not predictive enough to rule out pathogenicity. The variant occurs outside of the splicing consensus sequence and in silico or computational prediction software programs (SpliceSiteFinder, MaxEntScan, NNSPLICE, GeneSplicer) do not predict a difference in splicing. In summary, based on the above information the clinical significance of this variant cannot be determined with certainty at this time. This variant is classified as a variant of uncertain significance.

Literature cited by the submitters: PubMed 18284688 (cited by Women's Health and Genetics/Laboratory Corporation of America, LabCorp and Quest Diagnostics Nichols Institute San Juan Capistrano); PubMed 23929434 (cited by Women's Health and Genetics/Laboratory Corporation of America, LabCorp and Quest Diagnostics Nichols Institute San Juan Capistrano); PubMed 30287823 (cited by 3 submitters); PubMed 30039884 (cited by Women's Health and Genetics/Laboratory Corporation of America, LabCorp); PubMed 31396961 (cited by Women's Health and Genetics/Laboratory Corporation of America, LabCorp); PubMed 33309985 (cited by Women's Health and Genetics/Laboratory Corporation of America, LabCorp and Quest Diagnostics Nichols Institute San Juan Capistrano); PubMed 32114502 (cited by Quest Diagnostics Nichols Institute San Juan Capistrano); PubMed 32566972 (cited by Quest Diagnostics Nichols Institute San Juan Capistrano); PubMed 26295337 (cited by Quest Diagnostics Nichols Institute San Juan Capistrano); PubMed 32467295 (cited by Center for Precision Medicine, Meizhou People's Hospital).

NM_000059.4(BRCA2):c.2946A>G (p.Ile982Met)

Gene: BRCA2 (BRCA2 DNA repair associated; plus strand). Cytogenetic location: 13q13.1.
Variant type: single nucleotide variant.
Coding change: c.2946A>G on transcript NM_000059.4 (MANE Select); coding-DNA position 2946, A replaced by G.
Protein change: p.Ile982Met; replaces isoleucine 982 with methionine.
Molecular consequence: missense variant.
Genome position (GRCh38, 1-based): chr13:32,337,301, A>G. VCF-style: chr13-32337301-A-G. GRCh37 (hg19) VCF-style: chr13-32911438-A-G.
Other names: p.I982M:ATA>ATG; 3174A>G; short protein forms I982M.
Identifiers: ClinVar variation 37810 (VCV000037810.39), dbSNP rs80358541, ClinGen allele CA016856.